The following is an entry in ClinVar:

NM_002074.5(GNB1):c.800ACA[1] (p.Asn268del)

Gene: GNB1 (G protein subunit beta 1; minus strand). Cytogenetic location: 1p36.33.
Variant type: Microsatellite.
Coding change: c.800ACA[1] on transcript NM_002074.5 (MANE Select); one copy of the 3-base unit ACA starting at c.800; the reference has two copies in a row; one copy, 3 bases deleted.
Protein change: p.Asn268del; deletes asparagine 268.
Molecular consequence: inframe deletion.
Genome position (GRCh38, 1-based): chr1:1,789,164-1,789,166, TGT deleted on the plus strand (ACA on the coding strand, the reverse complement: GNB1 is on the minus strand); deleting any 3 consecutive bases within chr1:1,789,164-1,789,169 gives the same sequence; the position shown is the placement nearest the transcript's 3' end. VCF-style (leftmost placement, unchanged base first): chr1-1789163-ATGT-A. GRCh37 (hg19) VCF-style: chr1-1720602-ATGT-A.
Other names: c.500ACA[1], p.Asn168del (NM_001282538.2); c.800ACA[1], p.Asn268del (NM_001282539.2); short protein forms N168del, N268del.
Identifiers: ClinVar variation 1318862 (VCV001318862.3), dbSNP rs2100481073, ClinGen allele CA2580611381.
Genomic context (GRCh38, chr1:1,789,163, plus strand): 5'-TACCCAGCAAGGAGGAGGCGCCCGCTCTTGGAGAAGGAGACAGAGGTGATCCCGCAGATG[ATGT>A]TGTCATGGGAGTAAGTCATGAGCTCCTGGTCAGCACGAAGGTCAAACAGCCTGCAGGTGG-3'

ClinVar aggregate classification (germline): Uncertain significance (1 of 4 stars; one submission).

Submission:

GeneDx
Classification: Uncertain significance. Last evaluated: 2025-09-30. Review status: criteria provided, single submitter. Criteria: GeneDx Variant Classification Process June 2021. Collection method: clinical testing. Allele origin: germline. Affected: yes.
Comment: Reported in a patient with epilepsy in the published literature; however, clinical details and segregation data were not provided (PMID: 40565516); In-frame deletion of 1 amino acid in a non-repeat region; Not observed at significant frequency in large population cohorts (gnomAD); In silico analysis supports a deleterious effect on protein structure/function; This variant is associated with the following publications: (PMID: 40565516)